The following is an entry in ClinVar:

ClinVar aggregate classification (germline): Uncertain significance. Review status: criteria provided, multiple submitters, no conflicts (2 of 4 stars). 2 submissions from 2 submitters: Uncertain significance (2). Last evaluated 2025-12-01.

Conditions:
Brugada syndrome. Also called: Sudden unexpected nocturnal death syndrome; Sudden unexplained nocturnal death syndrome; Sudden Unexplained Death Syndrome; Sudden Unexplained Nocturnal Death Syndrome (SUNDS). Identifiers: Orphanet 130, MedGen C1142166, MONDO:0015263.

Allele frequency attached by ClinVar (database versions not stated): ExAC 0.00005; gnomAD exomes 0.00006 and 0.00019; gnomAD 0.00009 and 0.00010; TOPMed 0.00011; ESP Exome Variant Server 0.00031.
gnomAD v4.1: 285 of 1,613,888 alleles (0.018%); highest among the groups gnomAD compares: Non-Finnish European, 0.023%; no homozygotes.

Submissions (2):

Labcorp Genetics (formerly Invitae), Labcorp
Classification: Uncertain significance for Brugada syndrome. Last evaluated: 2025-12-01. Review status: criteria provided, single submitter. Criteria: Invitae Variant Classification Sherloc (09022015). Collection method: clinical testing. Allele origin: germline.
Comment: This sequence change replaces threonine, which is neutral and polar, with methionine, which is neutral and non-polar, at codon 64 of the SLMAP protein (p.Thr64Met). This variant is present in population databases (rs149291683, gnomAD 0.01%). This variant has not been reported in the literature in individuals affected with SLMAP-related conditions. ClinVar contains an entry for this variant (Variation ID: 1007972). An algorithm developed to predict the effect of missense changes on protein structure and function (PolyPhen-2) suggests that this variant is likely to be disruptive. In summary, the available evidence is currently insufficient to determine the role of this variant in disease. Therefore, it has been classified as a Variant of Uncertain Significance.

Ambry Genetics
Classification: Uncertain significance. Last evaluated: 2025-11-02. Review status: criteria provided, single submitter. Criteria: Ambry Variant Classification Scheme 2023. Collection method: clinical testing. Allele origin: germline.

NM_001377540.1(SLMAP):c.191C>T (p.Thr64Met)

Gene: SLMAP (sarcolemma associated protein; plus strand). Cytogenetic location: 3p14.3.
Variant type: single nucleotide variant.
Coding change: c.191C>T on transcript NM_001377540.1 (MANE Select); coding-DNA position 191, C replaced by T.
Protein change: p.Thr64Met; replaces threonine 64 with methionine.
Molecular consequence: missense variant. On other transcripts: non-coding transcript variant (1).
Genome position (GRCh38, 1-based): chr3:57,757,842, C>T. VCF-style: chr3-57757842-C-T. GRCh37 (hg19) VCF-style: chr3-57743569-C-T.
Other names: c.191C>T, p.Thr64Met (NM_001304420.3, NM_001304421.2, NM_001377538.1 and 17 more transcripts); short protein forms T64M.
Identifiers: ClinVar variation 1007972 (VCV001007972.9), dbSNP rs149291683, ClinGen allele CA2466722.